The following is an entry in ClinVar:

ClinVar aggregate classification (germline): Uncertain significance (1 of 4 stars; one submission).

Allele frequency attached by ClinVar (database versions not stated): gnomAD exomes below 0.00001.
gnomAD v4.1: 8 of 1,614,110 alleles (0.0005%); highest among the groups gnomAD compares: Non-Finnish European, 0.00042%; no homozygotes.

Submission:

Labcorp Genetics (formerly Invitae), Labcorp
Classification: Uncertain significance. Last evaluated: 2022-07-14. Review status: criteria provided, single submitter. Criteria: Invitae Variant Classification Sherloc (09022015). Collection method: clinical testing. Allele origin: germline.
Comment: In summary, the available evidence is currently insufficient to determine the role of this variant in disease. Therefore, it has been classified as a Variant of Uncertain Significance. Algorithms developed to predict the effect of missense changes on protein structure and function (SIFT, PolyPhen-2, Align-GVGD) all suggest that this variant is likely to be disruptive. This variant has not been reported in the literature in individuals affected with ISCU-related conditions. This variant is not present in population databases (gnomAD no frequency). This sequence change replaces asparagine, which is neutral and polar, with threonine, which is neutral and polar, at codon 48 of the ISCU protein (p.Asn48Thr).

NM_213595.4(ISCU):c.143A>C (p.Asn48Thr)

Gene: ISCU (iron-sulfur cluster assembly enzyme; plus strand). Cytogenetic location: 12q23.3.
Variant type: single nucleotide variant.
Coding change: c.143A>C on transcript NM_213595.4 (MANE Select); coding-DNA position 143, A replaced by C.
Protein change: p.Asn48Thr; replaces asparagine 48 with threonine.
Molecular consequence: missense variant. On other transcripts: non-coding transcript variant (1).
Genome position (GRCh38, 1-based): chr12:108,564,307, A>C. VCF-style: chr12-108564307-A-C. GRCh37 (hg19) VCF-style: chr12-108958083-A-C.
Other names: c.143A>C, p.Asn48Thr (NM_001301140.1, NM_001301141.1, NM_001320042.1); c.68A>C, p.Asn23Thr (NM_014301.4); short protein forms N23T, N48T.
Identifiers: ClinVar variation 1954453 (VCV001954453.5), dbSNP rs2540776493, ClinGen allele CA386429637.